The following is an entry in ClinVar:

NM_006231.4(POLE):c.3350C>T (p.Ser1117Phe)

Gene: POLE (DNA polymerase epsilon, catalytic subunit; minus strand). Cytogenetic location: 12q24.33.
Variant type: single nucleotide variant.
Coding change: c.3350C>T on transcript NM_006231.4 (MANE Select); coding-DNA position 3350, C replaced by T.
Protein change: p.Ser1117Phe; replaces serine 1117 with phenylalanine.
Molecular consequence: missense variant.
Genome position (GRCh38, 1-based): chr12:132,657,896, G>A on the plus strand (C>T on the coding strand, the complement: POLE is on the minus strand). VCF-style: chr12-132657896-G-A. GRCh37 (hg19) VCF-style: chr12-133234482-G-A.
Other names: short protein forms S1117F.
Identifiers: ClinVar variation 540627 (VCV000540627.8), dbSNP rs1555225302, ClinGen allele CA387389633.

ClinVar aggregate classification (germline): Uncertain significance (1 of 4 stars; one submission).

Submission:

Labcorp Genetics (formerly Invitae), Labcorp
Classification: Uncertain significance. Last evaluated: 2025-07-15. Review status: criteria provided, single submitter. Criteria: Invitae Variant Classification Sherloc (09022015). Collection method: clinical testing. Allele origin: germline.
Comment: This sequence change replaces serine, which is neutral and polar, with phenylalanine, which is neutral and non-polar, at codon 1117 of the POLE protein (p.Ser1117Phe). This variant is not present in population databases (gnomAD no frequency). This variant has not been reported in the literature in individuals affected with POLE-related conditions. ClinVar contains an entry for this variant (Variation ID: 540627). Invitae Evidence Modeling of protein sequence and biophysical properties (such as structural, functional, and spatial information, amino acid conservation, physicochemical variation, residue mobility, and thermodynamic stability) indicates that this missense variant is not expected to disrupt POLE protein function with a negative predictive value of 80%. In summary, the available evidence is currently insufficient to determine the role of this variant in disease. Therefore, it has been classified as a Variant of Uncertain Significance.